The following is an entry in ClinVar:

ClinVar aggregate classification (germline): Pathogenic/Likely pathogenic. Review status: criteria provided, multiple submitters, no conflicts (2 of 4 stars). 2 submissions from 2 submitters: Pathogenic (1); Likely pathogenic (1). Last evaluated 2024-01-19.

Conditions:
Retinitis pigmentosa 12 (RP12). Also called: RP WITH OR WITHOUT PRESERVED PARAARTERIOLE RETINAL PIGMENT EPITHELIUM; RETINITIS PIGMENTOSA WITH OR WITHOUT PARAARTERIOLAR PRESERVATION OF RETINAL PIGMENT EPITHELIUM; RP WITH OR WITHOUT PPRPE. Identifiers: Orphanet 791, MedGen C1838647, MONDO:0010818, OMIM 600105.
Leber congenital amaurosis 8 (LCA8). Identifiers: Orphanet 65, MedGen C3151202, MONDO:0013453, OMIM 613835.

gnomAD v4.1: 1 of 1,614,142 alleles (0.000062%); highest among the groups gnomAD compares: Non-Finnish European, 0.000085%; no homozygotes.

Submissions (2):

Baylor Genetics
Classification: Likely pathogenic for Leber congenital amaurosis 8. Last evaluated: 2024-01-19. Review status: criteria provided, single submitter. Criteria: ACMG Guidelines, 2015. Collection method: clinical testing. Allele origin: unknown.

Labcorp Genetics (formerly Invitae), Labcorp
Classification: Pathogenic for Leber congenital amaurosis 8; Retinitis pigmentosa 12. Last evaluated: 2023-11-05. Review status: criteria provided, single submitter. Criteria: Invitae Variant Classification Sherloc (09022015). Collection method: clinical testing. Allele origin: germline.
Comment: This sequence change creates a premature translational stop signal (p.Cys183*) in the CRB1 gene. It is expected to result in an absent or disrupted protein product. Loss-of-function variants in CRB1 are known to be pathogenic (PMID: 10508521, 22065545, 23379534, 25412400, 26957898, 28041643, 29391521). This variant is not present in population databases (gnomAD no frequency). This variant has not been reported in the literature in individuals affected with CRB1-related conditions. ClinVar contains an entry for this variant (Variation ID: 1950091). For these reasons, this variant has been classified as Pathogenic.

Literature cited by the submitters: PubMed 10508521 (cited by Labcorp Genetics (formerly Invitae), Labcorp); PubMed 22065545 (cited by Labcorp Genetics (formerly Invitae), Labcorp); PubMed 23379534 (cited by Labcorp Genetics (formerly Invitae), Labcorp); PubMed 25412400 (cited by Labcorp Genetics (formerly Invitae), Labcorp); PubMed 26957898 (cited by Labcorp Genetics (formerly Invitae), Labcorp); PubMed 28041643 (cited by Labcorp Genetics (formerly Invitae), Labcorp); PubMed 29391521 (cited by Labcorp Genetics (formerly Invitae), Labcorp).

NM_201253.3(CRB1):c.549C>A (p.Cys183Ter)

Gene: CRB1 (crumbs cell polarity complex component 1; plus strand). Cytogenetic location: 1q31.3.
Variant type: single nucleotide variant.
Coding change: c.549C>A on transcript NM_201253.3 (MANE Select); coding-DNA position 549, C replaced by A.
Protein change: p.Cys183Ter; replaces cysteine 183 with a stop codon.
Molecular consequence: nonsense. On other transcripts: non-coding transcript variant (2).
Genome position (GRCh38, 1-based): chr1:197,328,900, C>A. VCF-style: chr1-197328900-C-A. GRCh37 (hg19) VCF-style: chr1-197298030-C-A.
Other names: c.549C>A, p.Cys183Ter (NM_001193640.2, NM_001257966.2); c.342C>A, p.Cys114Ter (NM_001257965.2); short protein forms C114*, C183*.
Identifiers: ClinVar variation 1950091 (VCV001950091.7), dbSNP rs756544059, ClinGen allele CA344081529.